The following is an entry in ClinVar:

ClinVar aggregate classification (germline): Uncertain significance (1 of 4 stars; one submission).

Conditions:
Bardet-Biedl syndrome (BBS). Identifiers: Orphanet 110, MedGen C0752166, MONDO:0015229.

Submission:

Labcorp Genetics (formerly Invitae), Labcorp
Classification: Uncertain significance for Bardet-Biedl syndrome. Last evaluated: 2022-04-12. Review status: criteria provided, single submitter. Criteria: Invitae Variant Classification Sherloc (09022015). Collection method: clinical testing. Allele origin: germline.
Comment: In summary, the available evidence is currently insufficient to determine the role of this variant in disease. Therefore, it has been classified as a Variant of Uncertain Significance. Algorithms developed to predict the effect of missense changes on protein structure and function are either unavailable or do not agree on the potential impact of this missense change (SIFT: "Deleterious"; PolyPhen-2: "Benign"; Align-GVGD: "Class C0"). This variant has not been reported in the literature in individuals affected with BBS2-related conditions. This variant is not present in population databases (gnomAD no frequency). This sequence change replaces threonine, which is neutral and polar, with asparagine, which is neutral and polar, at codon 331 of the BBS2 protein (p.Thr331Asn).

NM_031885.5(BBS2):c.992C>A (p.Thr331Asn)

Gene: BBS2 (Bardet-Biedl syndrome 2; minus strand). Cytogenetic location: 16q13.
Variant type: single nucleotide variant.
Coding change: c.992C>A on transcript NM_031885.5 (MANE Select); coding-DNA position 992, C replaced by A.
Protein change: p.Thr331Asn; replaces threonine 331 with asparagine.
Molecular consequence: missense variant. On other transcripts: non-coding transcript variant (5).
Genome position (GRCh38, 1-based): chr16:56,502,405, G>T on the plus strand (C>A on the coding strand, the complement: BBS2 is on the minus strand). VCF-style: chr16-56502405-G-T. GRCh37 (hg19) VCF-style: chr16-56536317-G-T.
Other names: c.992C>A, p.Thr331Asn (NM_001377456.1); short protein forms T331N.
Identifiers: ClinVar variation 2125557 (VCV002125557.4), dbSNP rs2144148951, ClinGen allele CA395980678.